The following is an entry in ClinVar:

ClinVar aggregate classification (germline): Likely pathogenic. Review status: criteria provided, single submitter (1 of 4 stars). 3 submissions from 3 submitters: Likely pathogenic (1). 2 of the submissions do not count toward it. Last evaluated 2026-01-13.

Conditions:
Bardet-Biedl syndrome 10 (BBS10). Identifiers: Orphanet 110, MedGen C1859568, MONDO:0014438, OMIM 615987.

Allele frequency attached by ClinVar (database versions not stated): gnomAD exomes below 0.00001.
gnomAD v4.1: 2 of 1,613,576 alleles (0.00012%); highest among the groups gnomAD compares: Non-Finnish European, 0.00017%; no homozygotes.

Submissions (3):

Natera, Inc.
Classification: Likely pathogenic for Bardet-Biedl syndrome type 10. Last evaluated: 2026-01-13. Review status: criteria provided, single submitter. Criteria: Natera Variant Classification Schema (03/2026). Collection method: clinical testing. Allele origin: germline.
Comment: The c.101G>C variant in BBS10 is a missense variant predicted to cause substitution of arginine to proline at amino acid 34. This variant is rare in the general population with a frequency below the threshold expected for the associated phenotype(s). This variant has been observed in one or more individuals affected with the associated recessive disease, as either homozygous or compound heterozygous with a second variant (PMID: 16582908, 39990901). Additionally, this variant has been observed to segregate in affected family members (PMID: 39990901). Computational prediction algorithms indicate this variant is likely to affect gene or protein function. Given the available evidence, this variant is classified as Likely Pathogenic.

Counsyl
Classification: Uncertain significance for Bardet-Biedl syndrome 10. Last evaluated: 2017-03-29. Review status: no assertion criteria provided. Collection method: clinical testing. Allele origin: unknown. Not counted in ClinVar's aggregate classification.

OMIM
Classification: Pathogenic for BARDET-BIEDL SYNDROME 10. Last evaluated: 2006-05-01. Review status: no assertion criteria provided. Collection method: literature only. Allele origin: germline. Not counted in ClinVar's aggregate classification.

Literature cited by the submitters: PubMed 16582908 (cited by 3 submitters); PubMed 39990901 (cited by Natera, Inc.); PubMed 20498079 (cited by Counsyl); PubMed 20080638 (cited by Counsyl).

NM_024685.4(BBS10):c.101G>C (p.Arg34Pro)

Gene: BBS10 (Bardet-Biedl syndrome 10; minus strand). Cytogenetic location: 12q21.2.
Variant type: single nucleotide variant.
Coding change: c.101G>C on transcript NM_024685.4 (MANE Select); coding-DNA position 101, G replaced by C.
Protein change: p.Arg34Pro; replaces arginine 34 with proline.
Molecular consequence: missense variant.
Genome position (GRCh38, 1-based): chr12:76,348,258, C>G on the plus strand (G>C on the coding strand, the complement: BBS10 is on the minus strand). VCF-style: chr12-76348258-C-G. GRCh37 (hg19) VCF-style: chr12-76742038-C-G.
Other names: c.101G>C, p.Arg34Pro (LRG_1255t1); short protein forms R34P.
Identifiers: ClinVar variation 1329 (VCV000001329.3), dbSNP rs137852836, ClinGen allele CA251747.